The following is an entry in ClinVar:

NM_004714.3(DYRK1B):c.1411+9C>T

Gene: DYRK1B (dual specificity tyrosine phosphorylation regulated kinase 1B; minus strand). Cytogenetic location: 19q13.2.
Variant type: single nucleotide variant.
Coding change: c.1411+9C>T on transcript NM_004714.3 (MANE Select); 9 bases into the intron after coding-DNA position 1411, C replaced by T.
Molecular consequence: intron variant.
Genome position (GRCh38, 1-based): chr19:39,826,663, G>A on the plus strand (C>T on the coding strand, the complement: DYRK1B is on the minus strand). VCF-style: chr19-39826663-G-A. GRCh37 (hg19) VCF-style: chr19-40317303-G-A.
Other names: c.1291+9C>T (NM_006483.3); c.1327+9C>T (NM_006484.3).
Identifiers: ClinVar variation 3346795 (VCV003346795.1).

ClinVar aggregate classification (germline): Likely benign (0 of 4 stars; one submission).

Conditions:
DYRK1B-related disorder. Also called: DYRK1B-related condition.

gnomAD v4.1: 40 of 1,592,636 alleles (0.0025%); highest among the groups gnomAD compares: African/African-American, 0.042%; no homozygotes.

Submission:

PreventionGenetics, part of Exact Sciences
Classification: Likely benign for DYRK1B-related condition. Last evaluated: 2021-09-27. Review status: no assertion criteria provided. Collection method: clinical testing. Allele origin: germline.
Comment: This variant is classified as likely benign based on ACMG/AMP sequence variant interpretation guidelines (Richards et al. 2015 PMID: 25741868, with internal and published modifications).